The following is an entry in ClinVar:

ClinVar aggregate classification (germline): Uncertain significance. Review status: criteria provided, multiple submitters, no conflicts (2 of 4 stars). 2 submissions from 2 submitters: Uncertain significance (2). Last evaluated 2025-02-19.

Conditions:
Inborn genetic diseases. Identifiers: MedGen C0950123, MeSH D030342.

Allele frequency attached by ClinVar (database versions not stated): gnomAD exomes 0.00001.
gnomAD v4.1: 14 of 1,608,312 alleles (0.00087%); highest among the groups gnomAD compares: African/African-American, 0.0027%; no homozygotes.

Submissions (2):

Ambry Genetics
Classification: Uncertain significance for Inborn genetic diseases. Last evaluated: 2025-02-19. Review status: criteria provided, single submitter. Criteria: Ambry Variant Classification Scheme 2023. Collection method: clinical testing. Allele origin: germline.

Labcorp Genetics (formerly Invitae), Labcorp
Classification: Uncertain significance. Last evaluated: 2022-02-27. Review status: criteria provided, single submitter. Criteria: Invitae Variant Classification Sherloc (09022015). Collection method: clinical testing. Allele origin: germline.
Comment: This sequence change replaces glutamic acid, which is acidic and polar, with glycine, which is neutral and non-polar, at codon 138 of the ENPP1 protein (p.Glu138Gly). This variant is present in population databases (no rsID available, gnomAD 0.007%). This variant has not been reported in the literature in individuals affected with ENPP1-related conditions. Algorithms developed to predict the effect of missense changes on protein structure and function are either unavailable or do not agree on the potential impact of this missense change (SIFT: "Deleterious"; PolyPhen-2: "Probably Damaging"; Align-GVGD: "Class C0"). In summary, the available evidence is currently insufficient to determine the role of this variant in disease. Therefore, it has been classified as a Variant of Uncertain Significance.

NM_006208.3(ENPP1):c.413A>G (p.Glu138Gly)

Gene: ENPP1 (ectonucleotide pyrophosphatase/phosphodiesterase 1; plus strand). Cytogenetic location: 6q23.2.
Variant type: single nucleotide variant.
Coding change: c.413A>G on transcript NM_006208.3 (MANE Select); coding-DNA position 413, A replaced by G.
Protein change: p.Glu138Gly; replaces glutamic acid 138 with glycine.
Molecular consequence: missense variant.
Genome position (GRCh38, 1-based): chr6:131,850,089, A>G. VCF-style: chr6-131850089-A-G. GRCh37 (hg19) VCF-style: chr6-132171229-A-G.
Other names: c.413A>G (NM_006208.2); short protein forms E138G.
Identifiers: ClinVar variation 1963586 (VCV001963586.6), dbSNP rs1163628900, ClinGen allele CA365660257.